The following is an entry in ClinVar:

ClinVar aggregate classification (germline): Uncertain significance (1 of 4 stars; one submission).

Submission:

Ambry Genetics
Classification: Uncertain significance. Last evaluated: 2023-11-21. Review status: criteria provided, single submitter. Criteria: Ambry Variant Classification Scheme 2023. Collection method: clinical testing. Allele origin: germline.
Comment: The p.G349S variant (also known as c.1045G>A), located in coding exon 3 of the EGLN1 gene, results from a G to A substitution at nucleotide position 1045. The glycine at codon 349 is replaced by serine, an amino acid with similar properties. This amino acid position is conserved. In addition, the in silico prediction for this alteration is inconclusive. Since supporting evidence is limited at this time, the clinical significance of this alteration remains unclear.

NM_022051.3(EGLN1):c.1045G>A (p.Gly349Ser)

Gene: EGLN1 (egl-9 family hypoxia inducible factor 1; minus strand). Cytogenetic location: 1q42.2.
Variant type: single nucleotide variant.
Coding change: c.1045G>A on transcript NM_022051.3 (MANE Select); coding-DNA position 1045, G replaced by A.
Protein change: p.Gly349Ser; replaces glycine 349 with serine.
Molecular consequence: missense variant. On other transcripts: intron variant (1).
Genome position (GRCh38, 1-based): chr1:231,370,665, C>T on the plus strand (G>A on the coding strand, the complement: EGLN1 is on the minus strand). VCF-style: chr1-231370665-C-T. GRCh37 (hg19) VCF-style: chr1-231506411-C-T.
Other names: c.1045G>A, p.Gly349Ser (NM_001377260.1); c.1012-3029G>A (NM_001377261.1); short protein forms G349S.
Identifiers: ClinVar variation 3227684 (VCV003227684.1), dbSNP rs2527228486, ClinGen allele CA345240521.